The following is an entry in ClinVar:

NM_001048174.2(MUTYH):c.1128_1130dup (p.Pro377dup)

Gene: MUTYH (mutY DNA glycosylase; minus strand). Cytogenetic location: 1p34.1.
Variant type: Duplication.
Coding change: c.1128_1130dup on transcript NM_001048174.2 (MANE Select); coding-DNA positions 1128 to 1130, 3 bases duplicated (CCC; older notation c.1128_1130dupCCC).
Protein change: p.Pro377dup; duplicates proline 377.
Molecular consequence: inframe insertion. On other transcripts: non-coding transcript variant (2).
Genome position (GRCh38, 1-based): chr1:45,331,529-45,331,531, GGG duplicated on the plus strand (CCC on the coding strand, the reverse complement: MUTYH is on the minus strand). VCF-style (leftmost placement, unchanged base first): chr1-45331528-C-CGGG. GRCh37 (hg19) VCF-style: chr1-45797200-C-CGGG.
Other names: c.1212_1214dupCCC (NM_001128425.1); c.1128_1130dup, p.Pro377dup (NM_001048171.2, NM_001048173.2, NM_001293195.2); c.1131_1133dup, p.Pro378dup (NM_001048172.2); c.1212_1214dup, p.Pro405dup (NM_001128425.2); c.1173_1175dup, p.Pro392dup (NM_001293190.2); c.1161_1163dup, p.Pro388dup (NM_001293191.2); c.852_854dup, p.Pro285dup (NM_001293192.2, NM_001293196.2); c.783_785dup, p.Pro262dup (NM_001350650.2, NM_001350651.2); and 1 more.
Identifiers: ClinVar variation 464679 (VCV000464679.13), dbSNP rs1553126007, ClinGen allele CA658656919.

ClinVar aggregate classification (germline): Uncertain significance. Review status: criteria provided, multiple submitters, no conflicts (2 of 4 stars). 2 submissions from 2 submitters: Uncertain significance (2). Last evaluated 2021-01-07.

Conditions:
Hereditary cancer-predisposing syndrome. Also called: Neoplastic Syndromes, Hereditary; Tumor predisposition; Hereditary neoplastic syndrome; Hereditary Cancer Syndrome. Identifiers: Orphanet 140162, MedGen C0027672, MeSH D009386, MONDO:0015356.
Familial adenomatous polyposis 2. Also called: COLORECTAL ADENOMATOUS POLYPOSIS, AUTOSOMAL RECESSIVE; ADENOMAS, MULTIPLE COLORECTAL, AUTOSOMAL RECESSIVE; MUTYH-associated polyposis; FAP type 2; MUTYH-related attenuated familial adenomatous polyposis; Adenomas, multiple colorectal. Identifiers: Orphanet 220460, Orphanet 247798, MedGen C3272841, MONDO:0012041, OMIM 608456.

Allele frequency attached by ClinVar (database versions not stated): TOPMed below 0.00001.

Submissions (2):

Labcorp Genetics (formerly Invitae), Labcorp
Classification: Uncertain significance for Familial adenomatous polyposis 2. Last evaluated: 2021-01-07. Review status: criteria provided, single submitter. Criteria: Invitae Variant Classification Sherloc (09022015). Collection method: clinical testing. Allele origin: germline.
Comment: This sequence change inserts 3 nucleotides in exon 13 of the MUTYH mRNA (c.1212_1214dupCCC). This leads to the insertion of 1 amino acid residue in the MUTYH protein (p.Pro405dup) but otherwise preserves the integrity of the reading frame. In summary, this variant is a rare in-frame duplication with uncertain impact on protein function. There is no indication that it causes disease, but the available evidence is currently insufficient to prove that conclusively. Therefore, it has been classified as a Variant of Uncertain Significance. Experimental studies and prediction algorithms are not available for this variant, and the functional significance of the duplicated amino acid is currently unknown. This variant is not present in population databases (ExAC no frequency) and has not been reported in the literature in individuals with a MUTYH-related disease.

Color Diagnostics, LLC DBA Color Health
Classification: Uncertain significance for Hereditary cancer-predisposing syndrome. Last evaluated: 2019-07-08. Review status: criteria provided, single submitter. Criteria: ACMG Guidelines, 2015. Collection method: clinical testing. Allele origin: germline.
Comment: This variant causes an in-frame duplication of 1 amino acid in the MUTYH protein. Computational splicing tools suggest that this variant may not impact RNA splicing. To our knowledge, functional assays have not been performed for this variant nor has this variant been reported in individuals affected with hereditary cancer in the literature. This variant has not been identified in the general population by the Genome Aggregation Database (gnomAD). Available evidence is insufficient to determine the role of this variant in disease conclusively. Therefore, this variant is classified as a Variant of Uncertain Significance.